The following is an entry in ClinVar:

NM_001903.5(CTNNA1):c.1841C>T (p.Ala614Val)

Gene: CTNNA1 (catenin alpha 1; plus strand). Cytogenetic location: 5q31.2.
Variant type: single nucleotide variant.
Coding change: c.1841C>T on transcript NM_001903.5 (MANE Select); coding-DNA position 1841, C replaced by T.
Protein change: p.Ala614Val; replaces alanine 614 with valine.
Molecular consequence: missense variant.
Genome position (GRCh38, 1-based): chr5:138,925,349, C>T. VCF-style: chr5-138925349-C-T. GRCh37 (hg19) VCF-style: chr5-138261038-C-T.
Other names: c.731C>T, p.Ala244Val (NM_001323990.1, NM_001323991.1, NM_001323992.1 and 17 more transcripts); c.1841C>T, p.Ala614Val (NM_001290307.3, NM_001323982.2, NM_001323983.1 and 2 more transcripts); c.1532C>T, p.Ala511Val (NM_001290309.3); c.1472C>T, p.Ala491Val (NM_001290310.3); c.1748C>T, p.Ala583Val (NM_001323986.2); c.392C>T, p.Ala131Val (NM_001324006.1, NM_001324007.1, NM_001324008.1 and 2 more transcripts); c.638C>T, p.Ala213Val (NM_001324011.1); c.488C>T, p.Ala163Val (NM_001324012.1, NM_001324013.1); short protein forms A491V, A511V, A583V, A244V, A614V, A131V, A163V, A213V.
Identifiers: ClinVar variation 2082878 (VCV002082878.4), dbSNP rs778390683, ClinGen allele CA3432044.
Genomic context (GRCh38, chr5:138,925,349, plus strand): 5'-CCGTGGAAGCCCTCAGCTCGGACCCTGCCCAGCCCATGGATGAGAATGAGTTTATCGATG[C>T]TTCCCGCCTGGTATATGATGGCATCCGGGACATCAGGAAAGCAGTGCTGATGATAAGGGT-3'
Protein context (NP_001894.2, residues 604-624): QPMDENEFID[Ala614Val]SRLVYDGIRD

ClinVar aggregate classification (germline): Uncertain significance (1 of 4 stars; one submission).

Allele frequency attached by ClinVar (database versions not stated): ExAC 0.00001.

Submission:

Labcorp Genetics (formerly Invitae), Labcorp
Classification: Uncertain significance. Last evaluated: 2022-01-15. Review status: criteria provided, single submitter. Criteria: Invitae Variant Classification Sherloc (09022015). Collection method: clinical testing. Allele origin: germline.
Comment: This sequence change replaces alanine, which is neutral and non-polar, with valine, which is neutral and non-polar, at codon 614 of the CTNNA1 protein (p.Ala614Val). In summary, the available evidence is currently insufficient to determine the role of this variant in disease. Therefore, it has been classified as a Variant of Uncertain Significance. Algorithms developed to predict the effect of missense changes on protein structure and function (SIFT, PolyPhen-2, Align-GVGD) all suggest that this variant is likely to be tolerated. This variant has not been reported in the literature in individuals affected with CTNNA1-related conditions. This variant is present in population databases (rs778390683, gnomAD 0.0009%).